The following is an entry in ClinVar:

ClinVar aggregate classification (germline): Uncertain significance (1 of 4 stars; one submission).

Submission:

GeneDx
Classification: Uncertain significance. Last evaluated: 2019-07-25. Review status: criteria provided, single submitter. Criteria: GeneDx Variant Classification Process June 2021. Collection method: clinical testing. Allele origin: germline. Affected: yes.
Comment: Not observed in large population cohorts (Lek et al., 2016); In silico analysis, which includes protein predictors and evolutionary conservation, supports that this variant does not alter protein structure/function; Has not been previously published as pathogenic or benign to our knowledge

NM_006005.3(WFS1):c.1495C>A (p.Leu499Ile)

Gene: WFS1 (wolframin ER transmembrane glycoprotein; plus strand). Cytogenetic location: 4p16.1.
Variant type: single nucleotide variant.
Coding change: c.1495C>A on transcript NM_006005.3 (MANE Select); coding-DNA position 1495, C replaced by A.
Protein change: p.Leu499Ile; replaces leucine 499 with isoleucine.
Molecular consequence: missense variant.
Genome position (GRCh38, 1-based): chr4:6,301,290, C>A. VCF-style: chr4-6301290-C-A. GRCh37 (hg19) VCF-style: chr4-6303017-C-A.
Other names: c.1495C>A, p.Leu499Ile (NM_001145853.1); short protein forms L499I.
Identifiers: ClinVar variation 1317803 (VCV001317803.2), dbSNP rs114152068, ClinGen allele CA356175182.
Genomic context (GRCh38, chr4:6,301,290, plus strand): 5'-CCCTACCTGAAGGTCCTTGGCCAGACCTTCATCACCGTGCCTGTCGGCCACCTGGTCGTC[C>A]TCAACGTCAGCGTCCCGTGCCTGCTCTATGTCTACCTGCTCTATCTCTTCTTCCGCATGG-3'
Protein context (NP_005996.2, residues 489-509): ITVPVGHLVV[Leu499Ile]NVSVPCLLYV